The following is an entry in ClinVar:

ClinVar aggregate classification (germline): Benign/Likely benign. Review status: criteria provided, multiple submitters, no conflicts (2 of 4 stars). 3 submissions from 2 submitters: Benign (2); Likely benign (1). Last evaluated 2018-01-13.

Conditions:
Arrhythmogenic right ventricular dysplasia 2. Identifiers: MedGen C1832931.
Catecholaminergic polymorphic ventricular tachycardia 1. Also called: VENTRICULAR TACHYCARDIA, CATECHOLAMINERGIC POLYMORPHIC, 1, WITH OR WITHOUT ATRIAL DYSFUNCTION AND/OR DILATED CARDIOMYOPATHY; VENTRICULAR TACHYCARDIA, STRESS-INDUCED POLYMORPHIC 1; RYR2-Related Catecholaminergic Polymorphic Ventricular Tachycardia. Identifiers: Orphanet 3286, MedGen C1631597, MONDO:0011484, OMIM 604772.

Allele frequency attached by ClinVar (database versions not stated): 1000 Genomes Project 30x 0.00328; 1000 Genomes Project 0.00359; TOPMed 0.00510; gnomAD 0.00614 and 0.00624.

Submissions (3):

Illumina Laboratory Services, Illumina
Classification: Benign for Catecholaminergic polymorphic ventricular tachycardia 1. Last evaluated: 2018-01-13. Review status: criteria provided, single submitter. Criteria: ICSL Variant Classification Criteria 13 December 2019. Collection method: clinical testing. Allele origin: germline.
Comment: This variant was observed in the ICSL laboratory as part of a predisposition screen in an ostensibly healthy population. It had not been previously curated by ICSL or reported in the Human Gene Mutation Database (HGMD: prior to June 1st, 2018), and was therefore a candidate for classification through an automated scoring system. Utilizing variant allele frequency, disease prevalence and penetrance estimates, and inheritance mode, an automated score was calculated to assess if this variant is too frequent to cause the disease. Based on the score and internal cut-off values, a variant classified as benign is not then subjected to further curation. The score for this variant resulted in a classification of benign for this disease.

Illumina Laboratory Services, Illumina
Classification: Likely benign for Catecholaminergic polymorphic ventricular tachycardia 1. Last evaluated: 2018-01-13. Review status: criteria provided, single submitter. Criteria: ICSL Variant Classification Criteria 13 December 2019. Collection method: clinical testing. Allele origin: germline.
Comment: This variant was observed in the ICSL laboratory as part of a predisposition screen in an ostensibly healthy population. It had not been previously curated by ICSL or reported in the Human Gene Mutation Database (HGMD: prior to June 1st, 2018), and was therefore a candidate for classification through an automated scoring system. Utilizing variant allele frequency, disease prevalence and penetrance estimates, and inheritance mode, an automated score was calculated to assess if this variant is too frequent to cause the disease. Based on the score and internal cut-off values, a variant classified as likely benign is not then subjected to further curation. The score for this variant resulted in a classification of likely benign for this disease.

GeneDx
Classification: Benign. Last evaluated: 2015-03-03. Review status: criteria provided, single submitter. Criteria: GeneDx Variant Classification Process June 2021. Collection method: clinical testing. Allele origin: germline. Affected: yes.

NM_001035.3(RYR2):c.*130G>A

Gene: RYR2 (ryanodine receptor 2; plus strand). Cytogenetic location: 1q43.
Variant type: single nucleotide variant.
Coding change: c.*130G>A on transcript NM_001035.3 (MANE Select); 130 bases downstream of the stop codon, G replaced by A.
Molecular consequence: 3 prime UTR variant.
Genome position (GRCh38, 1-based): chr1:237,832,777, G>A. VCF-style: chr1-237832777-G-A. GRCh37 (hg19) VCF-style: chr1-237996077-G-A.
Other names: c.*130G>A (LRG_402t1).
Identifiers: ClinVar variation 296773 (VCV000296773.7), dbSNP rs12725752, ClinGen allele CA10610633.